The following is an entry in ClinVar:

NM_000289.6(PFKM):c.628C>T (p.Arg210Cys)

Gene: PFKM (phosphofructokinase, muscle; plus strand). Cytogenetic location: 12q13.11.
Variant type: single nucleotide variant.
Coding change: c.628C>T on transcript NM_000289.6 (MANE Select); coding-DNA position 628, C replaced by T.
Protein change: p.Arg210Cys; replaces arginine 210 with cysteine.
Molecular consequence: missense variant. On other transcripts: non-coding transcript variant (6).
Genome position (GRCh38, 1-based): chr12:48,134,266, C>T. VCF-style: chr12-48134266-C-T. GRCh37 (hg19) VCF-style: chr12-48528049-C-T.
Other names: c.841C>T, p.Arg281Cys (NM_001166686.2, NM_001354737.1, NM_001354738.1 and 1 more transcripts); c.628C>T, p.Arg210Cys (NM_001166687.2, NM_001166688.2, NM_001354742.2 and 4 more transcripts); c.937C>T, p.Arg313Cys (NM_001354735.1, NM_001354736.1); c.772C>T, p.Arg258Cys (NM_001354740.1); c.652C>T, p.Arg218Cys (NM_001354741.2); c.541C>T, p.Arg181Cys (NM_001354745.2); c.478C>T, p.Arg160Cys (NM_001354747.2, NM_001354748.2); short protein forms R313C, R210C, R218C, R281C, R160C, R181C, R258C.
Identifiers: ClinVar variation 2062408 (VCV002062408.1), dbSNP rs750262919, ClinGen allele CA6537055.

ClinVar aggregate classification (germline): Uncertain significance (1 of 4 stars; one submission).

Conditions:
Glycogen storage disease, type VII (GSD7). Also called: TARUI DISEASE; GSD VII; MUSCLE PHOSPHOFRUCTOKINASE DEFICIENCY; PFKM DEFICIENCY. Identifiers: Orphanet 371, MedGen C0017926, MONDO:0009295, OMIM 232800.

Allele frequency attached by ClinVar (database versions not stated): gnomAD 0.00001; gnomAD exomes 0.00001; ExAC 0.00002; TOPMed 0.00002.
gnomAD v4.1: 12 of 1,613,320 alleles (0.00074%); highest among the groups gnomAD compares: African/African-American, 0.004%; no homozygotes.

Submission:

Labcorp Genetics (formerly Invitae), Labcorp
Classification: Uncertain significance for Glycogen storage disease, type VII. Last evaluated: 2022-10-17. Review status: criteria provided, single submitter. Criteria: Invitae Variant Classification Sherloc (09022015). Collection method: clinical testing. Allele origin: germline.
Comment: This sequence change replaces arginine, which is basic and polar, with cysteine, which is neutral and slightly polar, at codon 210 of the PFKM protein (p.Arg210Cys). This variant is present in population databases (rs750262919, gnomAD 0.007%). This variant has not been reported in the literature in individuals affected with PFKM-related conditions. Advanced modeling of protein sequence and biophysical properties (such as structural, functional, and spatial information, amino acid conservation, physicochemical variation, residue mobility, and thermodynamic stability) performed at Invitae indicates that this missense variant is expected to disrupt PFKM protein function. In summary, the available evidence is currently insufficient to determine the role of this variant in disease. Therefore, it has been classified as a Variant of Uncertain Significance.